The following is an entry in ClinVar:

NM_005330.4(HBE1):c.226A>G (p.Ile76Val)

Gene: HBE1 (hemoglobin subunit epsilon 1; minus strand). Cytogenetic location: 11p15.4.
Variant type: single nucleotide variant.
Coding change: c.226A>G on transcript NM_005330.4 (MANE Select); coding-DNA position 226, A replaced by G.
Protein change: p.Ile76Val; replaces isoleucine 76 with valine.
Molecular consequence: missense variant.
Genome position (GRCh38, 1-based): chr11:5,269,543, T>C on the plus strand (A>G on the coding strand, the complement: HBE1 is on the minus strand). VCF-style: chr11-5269543-T-C. GRCh37 (hg19) VCF-style: chr11-5290773-T-C.
Other names: short protein forms I76V.
Identifiers: ClinVar variation 3056068 (VCV003056068.2), dbSNP rs79612490, ClinGen allele CA5840375.

ClinVar aggregate classification (germline): Likely benign (0 of 4 stars; one submission).

Conditions:
HBE1-related disorder. Also called: HBE1-related condition.

Allele frequency attached by ClinVar (database versions not stated): gnomAD exomes 0.00014; ExAC 0.00045; gnomAD 0.00141; ESP Exome Variant Server 0.00146; TOPMed 0.00151; 1000 Genomes Project 0.00200; 1000 Genomes Project 30x 0.00234.
gnomAD v4.1: 439 of 1,614,038 alleles (0.027%); highest among the groups gnomAD compares: African/African-American, 0.46%; no homozygotes.

Submission:

PreventionGenetics, part of Exact Sciences
Classification: Likely benign for HBE1-related condition. Last evaluated: 2022-05-17. Review status: no assertion criteria provided. Collection method: clinical testing. Allele origin: germline.
Comment: This variant is classified as likely benign based on ACMG/AMP sequence variant interpretation guidelines (Richards et al. 2015 PMID: 25741868, with internal and published modifications).